The following is an entry in ClinVar:

NM_152383.5(DIS3L2):c.1909G>A (p.Ala637Thr)

Gene: DIS3L2 (DIS3 like 3'-5' exoribonuclease 2; plus strand). Cytogenetic location: 2q37.1.
Variant type: single nucleotide variant.
Coding change: c.1909G>A on transcript NM_152383.5 (MANE Select); coding-DNA position 1909, G replaced by A.
Protein change: p.Ala637Thr; replaces alanine 637 with threonine.
Molecular consequence: missense variant. On other transcripts: non-coding transcript variant (2), intron variant (1).
Genome position (GRCh38, 1-based): chr2:232,329,982, G>A. VCF-style: chr2-232329982-G-A. GRCh37 (hg19) VCF-style: chr2-233194692-G-A.
Other names: c.1582-13363G>A (NM_001257281.2); short protein forms A637T.
Identifiers: ClinVar variation 531904 (VCV000531904.10), dbSNP rs543360422, ClinGen allele CA2164298.

ClinVar aggregate classification (germline): Uncertain significance. Review status: criteria provided, multiple submitters, no conflicts (2 of 4 stars). 2 submissions from 2 submitters: Uncertain significance (2). Last evaluated 2025-05-12.

Conditions:
Perlman syndrome (PRLMNS). Identifiers: Orphanet 2849, MedGen C0796113, MONDO:0009965, OMIM 267000.

Allele frequency attached by ClinVar (database versions not stated): gnomAD exomes 0.00002; ExAC 0.00004; 1000 Genomes Project 30x 0.00016; 1000 Genomes Project 0.00020.
gnomAD v4.1: 42 of 1,610,506 alleles (0.0026%); highest among the groups gnomAD compares: Admixed American, 0.0067%; no homozygotes.

Submissions (2):

Labcorp Genetics (formerly Invitae), Labcorp
Classification: Uncertain significance for Perlman syndrome. Last evaluated: 2025-05-12. Review status: criteria provided, single submitter. Criteria: Invitae Variant Classification Sherloc (09022015). Collection method: clinical testing. Allele origin: germline.
Comment: This sequence change replaces alanine, which is neutral and non-polar, with threonine, which is neutral and polar, at codon 637 of the DIS3L2 protein (p.Ala637Thr). This variant is present in population databases (rs543360422, gnomAD 0.007%). This variant has not been reported in the literature in individuals affected with DIS3L2-related conditions. ClinVar contains an entry for this variant (Variation ID: 531904). Invitae Evidence Modeling of protein sequence and biophysical properties (such as structural, functional, and spatial information, amino acid conservation, physicochemical variation, residue mobility, and thermodynamic stability) indicates that this missense variant is not expected to disrupt DIS3L2 protein function with a negative predictive value of 80%. In summary, the available evidence is currently insufficient to determine the role of this variant in disease. Therefore, it has been classified as a Variant of Uncertain Significance.

Fulgent Genetics
Classification: Uncertain significance for Perlman syndrome. Last evaluated: 2024-05-30. Review status: criteria provided, single submitter. Criteria: ACMG Guidelines, 2015. Collection method: clinical testing. Allele origin: germline.